The following is an entry in ClinVar:

ClinVar aggregate classification (germline): Uncertain significance (1 of 4 stars; one submission).

Conditions:
Hypertrophic cardiomyopathy. Also called: HYPERTROPHIC MYOCARDIOPATHY. Identifiers: Orphanet 217569, MedGen C0007194, MeSH D002312, MONDO:0005045, HP:0001639.

Submission:

Labcorp Genetics (formerly Invitae), Labcorp
Classification: Uncertain significance for Hypertrophic cardiomyopathy. Last evaluated: 2025-12-29. Review status: criteria provided, single submitter. Criteria: Invitae Variant Classification Sherloc (09022015). Collection method: clinical testing. Allele origin: germline.
Comment: This sequence change replaces glutamic acid, which is acidic and polar, with glycine, which is neutral and non-polar, at codon 1264 of the MYH7 protein (p.Glu1264Gly). This variant is not present in population databases (gnomAD no frequency). This variant has not been reported in the literature in individuals affected with MYH7-related conditions. Invitae Evidence Modeling of protein sequence and biophysical properties (such as structural, functional, and spatial information, amino acid conservation, physicochemical variation, residue mobility, and thermodynamic stability) indicates that this missense variant is expected to disrupt MYH7 protein function with a positive predictive value of 95%. In summary, the available evidence is currently insufficient to determine the role of this variant in disease. Therefore, it has been classified as a Variant of Uncertain Significance.

NM_000257.4(MYH7):c.3791A>G (p.Glu1264Gly)

Gene: MYH7 (myosin heavy chain 7; minus strand). Cytogenetic location: 14q11.2.
Variant type: single nucleotide variant.
Coding change: c.3791A>G on transcript NM_000257.4 (MANE Select); coding-DNA position 3791, A replaced by G.
Protein change: p.Glu1264Gly; replaces glutamic acid 1264 with glycine.
Molecular consequence: missense variant.
Genome position (GRCh38, 1-based): chr14:23,419,545, T>C on the plus strand (A>G on the coding strand, the complement: MYH7 is on the minus strand). VCF-style: chr14-23419545-T-C. GRCh37 (hg19) VCF-style: chr14-23888754-T-C.
Other names: c.3791A>G, p.Glu1264Gly (NM_001407004.1); short protein forms E1264G.
Identifiers: ClinVar variation 4771116 (VCV004771116.1).